The following is an entry in ClinVar:

NM_052859.4(RFT1):c.1102+4C>T

Gene: RFT1 (RFT1 glycolipid translocator homolog; minus strand). Cytogenetic location: 3p21.1.
Variant type: single nucleotide variant.
Coding change: c.1102+4C>T on transcript NM_052859.4 (MANE Select); 4 bases into the intron after coding-DNA position 1102, C replaced by T.
Molecular consequence: intron variant.
Genome position (GRCh38, 1-based): chr3:53,103,949, G>A on the plus strand (C>T on the coding strand, the complement: RFT1 is on the minus strand). VCF-style: chr3-53103949-G-A. GRCh37 (hg19) VCF-style: chr3-53137965-G-A.
Identifiers: ClinVar variation 1423986 (VCV001423986.3), dbSNP rs150695725, ClinGen allele CA2451249.

ClinVar aggregate classification (germline): Uncertain significance (1 of 4 stars; one submission).

Conditions:
RFT1-congenital disorder of glycosylation (CDG1N). Also called: Congenital disorder of glycosylation type In; CDG In; RFT1-CDG. Identifiers: Orphanet 244310, MedGen C2677590, MONDO:0012783, OMIM 612015.

Allele frequency attached by ClinVar (database versions not stated): ExAC 0.00016; ESP Exome Variant Server 0.00031; 1000 Genomes Project 0.00100; 1000 Genomes Project 30x 0.00109.

Submission:

Labcorp Genetics (formerly Invitae), Labcorp
Classification: Uncertain significance for RFT1-congenital disorder of glycosylation. Last evaluated: 2022-08-20. Review status: criteria provided, single submitter. Criteria: Invitae Variant Classification Sherloc (09022015). Collection method: clinical testing. Allele origin: germline.
Comment: This sequence change falls in intron 10 of the RFT1 gene. It does not directly change the encoded amino acid sequence of the RFT1 protein. It affects a nucleotide within the consensus splice site. This variant is present in population databases (rs150695725, gnomAD 0.07%). This variant has not been reported in the literature in individuals affected with RFT1-related conditions. ClinVar contains an entry for this variant (Variation ID: 1423986). Variants that disrupt the consensus splice site are a relatively common cause of aberrant splicing (PMID: 17576681, 9536098). Algorithms developed to predict the effect of sequence changes on RNA splicing suggest that this variant is not likely to affect RNA splicing. In summary, the available evidence is currently insufficient to determine the role of this variant in disease. Therefore, it has been classified as a Variant of Uncertain Significance.

Literature cited by the submitters: PubMed 17576681; PubMed 9536098.